The following is an entry in ClinVar:

NM_033223.5(GABRG3):c.1125C>T (p.Asn375=)

Gene: GABRG3 (gamma-aminobutyric acid type A receptor subunit gamma3; plus strand). Cytogenetic location: 15q12.
Variant type: single nucleotide variant.
Coding change: c.1125C>T on transcript NM_033223.5 (MANE Select); coding-DNA position 1125, C replaced by T.
Protein change: p.Asn375=; no amino-acid change (asparagine 375 retained).
Molecular consequence: synonymous variant.
Genome position (GRCh38, 1-based): chr15:27,532,602, C>T. VCF-style: chr15-27532602-C-T. GRCh37 (hg19) VCF-style: chr15-27777748-C-T.
Identifiers: ClinVar variation 870529 (VCV000870529.3), dbSNP rs1891450501, ClinGen allele CA489239615.

ClinVar aggregate classification (germline): Pathogenic (1 of 4 stars; one submission).

Conditions:
Angelman syndrome (AS). Also called: HAPPY PUPPET SYNDROME. Identifiers: Orphanet 72, MedGen C0162635, MONDO:0007113, OMIM 105830. Disease mechanism: loss of function. Inheritance: AS is caused by disruption of maternally imprinted UBE3A located within the 15q11.2-q13 Angelman syndrome/Prader-Willi syndrome (AS/PWS) region., imprinting disorder.

Submission:

Kamineni Academy of Medical Sciences & Research Centre, Kamineni Hospitals
Classification: Pathogenic for Angelman syndrome. Last evaluated: 2020-03-08. Review status: criteria provided, single submitter. Criteria: ACMG Guidelines, 2015. Collection method: clinical testing. Allele origin: de novo. Inheritance: Autosomal dominant inheritance with maternal imprinting. Affected: yes. Observed: 1 heterozygote.
Comment: CMA reported multiple absence of heterozygosity regions with 15q11.2 being the primary. Raw data of CMA and exome were assessed and the reported variant was a single heterozygous change in the long stretch of 7 mb absence of heterozygosity region. Genes associated with phenotype were also analysed for possible differential diagnoses, however, no clinically significant changes were observed. Reported variant is novel and was identified to be damaging by in silico analysis. The condition is Angelman like, since the gene is in the AS-PWS critical region, GABRG3 should be evaluated in individuals with AS features but with a negative UBE3A mutation status